The following is an entry in ClinVar:

ClinVar aggregate classification (germline): Uncertain significance. Review status: criteria provided, multiple submitters, no conflicts (2 of 4 stars). 4 submissions from 4 submitters: Uncertain significance (3). 1 of the submissions does not count toward it. Last evaluated 2025-09-29.

Conditions:
Congenital contractural arachnodactyly (CCA). Also called: Arthrogryposis, distal, type 9; BEALS SYNDROME; Beals-Hecht syndrome. Identifiers: Orphanet 115, MedGen C0220668, MONDO:0007363, OMIM 121050.
FBN2-related disorder. Also called: FBN2-related condition.

Allele frequency attached by ClinVar (database versions not stated): gnomAD 0.00001.
gnomAD v4.1: 2 of 1,614,202 alleles (0.00012%); highest among the groups gnomAD compares: African/African-American, 0.0013%; no homozygotes.

Submissions (4):

Women's Health and Genetics/Laboratory Corporation of America, LabCorp
Classification: Uncertain significance. Last evaluated: 2025-09-29. Review status: criteria provided, single submitter. Criteria: LabCorp Variant Classification Summary - May 2015. Collection method: clinical testing. Allele origin: germline.

Labcorp Genetics (formerly Invitae), Labcorp
Classification: Uncertain significance for Congenital contractural arachnodactyly. Last evaluated: 2023-07-07. Review status: criteria provided, single submitter. Criteria: Invitae Variant Classification Sherloc (09022015). Collection method: clinical testing. Allele origin: germline.
Comment: This sequence change replaces serine, which is neutral and polar, with isoleucine, which is neutral and non-polar, at codon 429 of the FBN2 protein (p.Ser429Ile). This variant is not present in population databases (gnomAD no frequency). This variant has not been reported in the literature in individuals affected with FBN2-related conditions. ClinVar contains an entry for this variant (Variation ID: 1478045). Advanced modeling of protein sequence and biophysical properties (such as structural, functional, and spatial information, amino acid conservation, physicochemical variation, residue mobility, and thermodynamic stability) performed at Invitae indicates that this missense variant is not expected to disrupt FBN2 protein function. In summary, the available evidence is currently insufficient to determine the role of this variant in disease. Therefore, it has been classified as a Variant of Uncertain Significance.

GeneDx
Classification: Uncertain significance. Last evaluated: 2022-11-01. Review status: criteria provided, single submitter. Criteria: GeneDx Variant Classification Process June 2021. Collection method: clinical testing. Allele origin: germline. Affected: yes.
Comment: Has not been previously published as pathogenic or benign to our knowledge; Not observed at significant frequency in large population cohorts (gnomAD); Does not occur within a calcium-binding-EGF-like domain (Callewaert et al., 2009, Frederic et al., 2009); In silico analysis supports that this missense variant does not alter protein structure/function

PreventionGenetics, part of Exact Sciences
Classification: Uncertain significance for FBN2-related condition. Last evaluated: 2024-07-03. Review status: no assertion criteria provided. Collection method: clinical testing. Allele origin: germline. Not counted in ClinVar's aggregate classification.
Comment: The FBN2 c.1286G>T variant is predicted to result in the amino acid substitution p.Ser429Ile. To our knowledge, this variant has not been reported in the literature or in a large population database, indicating this variant is rare. At this time, the clinical significance of this variant is uncertain due to the absence of conclusive functional and genetic evidence.

NM_001999.4(FBN2):c.1286G>T (p.Ser429Ile)

Gene: FBN2 (fibrillin 2; minus strand). Cytogenetic location: 5q23.3.
Variant type: single nucleotide variant.
Coding change: c.1286G>T on transcript NM_001999.4 (MANE Select); coding-DNA position 1286, G replaced by T.
Protein change: p.Ser429Ile; replaces serine 429 with isoleucine.
Molecular consequence: missense variant.
Genome position (GRCh38, 1-based): chr5:128,393,314, C>A on the plus strand (G>T on the coding strand, the complement: FBN2 is on the minus strand). VCF-style: chr5-128393314-C-A. GRCh37 (hg19) VCF-style: chr5-127729007-C-A.
Other names: c.1286G>T (NM_001999.3); short protein forms S429I.
Identifiers: ClinVar variation 1478045 (VCV001478045.10), dbSNP rs749969520, ClinGen allele CA360749869.